The following is an entry in ClinVar:

ClinVar aggregate classification (germline): Benign/Likely benign. Review status: criteria provided, multiple submitters, no conflicts (2 of 4 stars). 5 submissions from 5 submitters: Benign (1); Likely benign (3). 1 of the submissions does not count toward it. Last evaluated 2026-01-28.

Conditions:
DPAGT1-related disorder. Also called: DPAGT1-related condition.
DPAGT1-congenital disorder of glycosylation. Also called: CONGENITAL DISORDER OF GLYCOSYLATION, TYPE Ij; CDG Ij; DPAGT1-CDG. Identifiers: Orphanet 86309, MedGen C2931004, MONDO:0011964, OMIM 608093.
Congenital myasthenic syndrome 13 (CMS13). Also called: Myasthenic syndrome, congenital, with tubular aggregates 2; Myasthenic syndrome, congenital, 13, with tubular aggregates. Identifiers: Orphanet 353327, Orphanet 590, MedGen C3553645, MONDO:0013883, OMIM 614750.

Allele frequency attached by ClinVar (database versions not stated): TOPMed 0.00135; 1000 Genomes Project 30x 0.00219; 1000 Genomes Project 0.00220; gnomAD 0.00119 and 0.00126; ESP Exome Variant Server 0.00123.
gnomAD v4.1: 403 of 1,614,078 alleles (0.025%); highest among the groups gnomAD compares: African/African-American, 0.38%; no homozygotes.

Submissions (5):

Labcorp Genetics (formerly Invitae), Labcorp
Classification: Benign for Congenital myasthenic syndrome 13; DPAGT1-congenital disorder of glycosylation. Last evaluated: 2026-01-28. Review status: criteria provided, single submitter. Criteria: Invitae Variant Classification Sherloc (09022015). Collection method: clinical testing. Allele origin: germline.

Mayo Clinic Laboratories, Mayo Clinic
Classification: Likely benign. Last evaluated: 2025-08-27. Review status: criteria provided, single submitter. Criteria: ACMG Guidelines, 2015. Collection method: clinical testing. Allele origin: germline. Observed: 2 variant alleles.
Comment: BS1, BP4, BP7

Blueprint Genetics
Classification: Likely benign. Last evaluated: 2022-03-18. Review status: criteria provided, single submitter. Criteria: ACMG Guidelines, 2015. Collection method: clinical testing. Allele origin: germline.

GeneDx
Classification: Likely benign. Last evaluated: 2017-09-11. Review status: criteria provided, single submitter. Criteria: GeneDx Variant Classification (06012015). Collection method: clinical testing. Allele origin: germline. Affected: yes.
Comment: This variant is considered likely benign or benign based on one or more of the following criteria: it is a conservative change, it occurs at a poorly conserved position in the protein, it is predicted to be benign by multiple in silico algorithms, and/or has population frequency not consistent with disease.

PreventionGenetics, part of Exact Sciences
Classification: Likely benign for DPAGT1-related condition. Last evaluated: 2024-06-07. Review status: no assertion criteria provided. Collection method: clinical testing. Allele origin: germline. Not counted in ClinVar's aggregate classification.
Comment: This variant is classified as likely benign based on ACMG/AMP sequence variant interpretation guidelines (Richards et al. 2015 PMID: 25741868, with internal and published modifications).

NM_001382.4(DPAGT1):c.918-5C>T

Gene: DPAGT1 (dolichyl-phosphate N-acetylglucosaminephosphotransferase 1; minus strand). Cytogenetic location: 11q23.3.
Variant type: single nucleotide variant.
Coding change: c.918-5C>T on transcript NM_001382.4 (MANE Select); 5 bases into the intron before coding-DNA position 918, C replaced by T.
Molecular consequence: intron variant.
Genome position (GRCh38, 1-based): chr11:119,097,556, G>A on the plus strand (C>T on the coding strand, the complement: DPAGT1 is on the minus strand). VCF-style: chr11-119097556-G-A. GRCh37 (hg19) VCF-style: chr11-118968266-G-A.
Other names: p.?.
Identifiers: ClinVar variation 511627 (VCV000511627.15), dbSNP rs191573465, ClinGen allele CA6314493.